The following is an entry in ClinVar:

NM_001184.4(ATR):c.6965A>G (p.Tyr2322Cys)

Gene: ATR (ATR checkpoint kinase; minus strand). Cytogenetic location: 3q23.
Variant type: single nucleotide variant.
Coding change: c.6965A>G on transcript NM_001184.4 (MANE Select); coding-DNA position 6965, A replaced by G.
Protein change: p.Tyr2322Cys; replaces tyrosine 2322 with cysteine.
Molecular consequence: missense variant.
Genome position (GRCh38, 1-based): chr3:142,465,173, T>C on the plus strand (A>G on the coding strand, the complement: ATR is on the minus strand). VCF-style: chr3-142465173-T-C. GRCh37 (hg19) VCF-style: chr3-142184015-T-C.
Other names: c.6773A>G, p.Tyr2258Cys (NM_001354579.2); short protein forms Y2258C, Y2322C.
Identifiers: ClinVar variation 2069666 (VCV002069666.4), dbSNP rs2071099394, ClinGen allele CA354800638.

ClinVar aggregate classification (germline): Uncertain significance (1 of 4 stars; one submission).

Allele frequency attached by ClinVar (database versions not stated): gnomAD 0.00001; gnomAD exomes below 0.00001; TOPMed below 0.00001.
gnomAD v4.1: 2 of 1,609,188 alleles (0.00012%); highest among the groups gnomAD compares: Admixed American, 0.0017%; no homozygotes.

Submission:

Labcorp Genetics (formerly Invitae), Labcorp
Classification: Uncertain significance. Last evaluated: 2024-09-05. Review status: criteria provided, single submitter. Criteria: Invitae Variant Classification Sherloc (09022015). Collection method: clinical testing. Allele origin: germline.
Comment: This sequence change replaces tyrosine, which is neutral and polar, with cysteine, which is neutral and slightly polar, at codon 2322 of the ATR protein (p.Tyr2322Cys). This variant is not present in population databases (gnomAD no frequency). This variant has not been reported in the literature in individuals affected with ATR-related conditions. ClinVar contains an entry for this variant (Variation ID: 2069666). An algorithm developed to predict the effect of missense changes on protein structure and function (PolyPhen-2) suggests that this variant is likely to be disruptive. In summary, the available evidence is currently insufficient to determine the role of this variant in disease. Therefore, it has been classified as a Variant of Uncertain Significance.